The following is an entry in ClinVar:

NM_001365951.3(KIF1B):c.2815T>G (p.Phe939Val)

Genes: KIF1B (kinesin family member 1B; plus strand), LOC126805614 (BRD4-independent group 4 enhancer GRCh37_chr1:10385546-10386745; plus strand). Cytogenetic location: 1p36.22.
Variant type: single nucleotide variant.
Coding change: c.2815T>G on transcript NM_001365951.3 (MANE Select); coding-DNA position 2815, T replaced by G.
Protein change: p.Phe939Val; replaces phenylalanine 939 with valine.
Molecular consequence: missense variant.
Genome position (GRCh38, 1-based): chr1:10,326,250, T>G. VCF-style: chr1-10326250-T-G. GRCh37 (hg19) VCF-style: chr1-10386308-T-G.
Other names: c.2815T>G, p.Phe939Val (NM_001365952.1); c.2677T>G, p.Phe893Val (NM_015074.3); short protein forms F939V, F893V.
Identifiers: ClinVar variation 4043164 (VCV004043164.1).
Genomic context (GRCh38, chr1:10,326,250, plus strand): 5'-GACATCACTGAGCTGGCTGACGAGCAGCAAGATGAGATGGAGGATTTTGATGATGAGGCA[T>G]TCGTGGATGACGCCGGCTCTGACGCAGGGACGGAGGAGGGATCAGATCTCTTCAGTGACG-3'
Protein context (NP_001352880.1, residues 929-949): DEMEDFDDEA[Phe939Val]VDDAGSDAGT

ClinVar aggregate classification (germline): Uncertain significance (1 of 4 stars; one submission).

Submission:

Ambry Genetics
Classification: Uncertain significance. Last evaluated: 2025-06-04. Review status: criteria provided, single submitter. Criteria: Ambry Variant Classification Scheme 2023. Collection method: clinical testing. Allele origin: germline.
Comment: The p.F893V variant (also known as c.2677T>G), located in coding exon 24 of the KIF1B gene, results from a T to G substitution at nucleotide position 2677. The phenylalanine at codon 893 is replaced by valine, an amino acid with highly similar properties. This amino acid position is conserved. In addition, the in silico prediction for this alteration is inconclusive. Based on the available evidence, the clinical significance of this variant remains unclear.